The following is an entry in ClinVar:

NM_002485.5(NBN):c.551T>G (p.Val184Gly)

Gene: NBN (nibrin; minus strand). Cytogenetic location: 8q21.3.
Variant type: single nucleotide variant.
Coding change: c.551T>G on transcript NM_002485.5 (MANE Select); coding-DNA position 551, T replaced by G.
Protein change: p.Val184Gly; replaces valine 184 with glycine.
Molecular consequence: missense variant.
Genome position (GRCh38, 1-based): chr8:89,978,253, A>C on the plus strand (T>G on the coding strand, the complement: NBN is on the minus strand). VCF-style: chr8-89978253-A-C. GRCh37 (hg19) VCF-style: chr8-90990481-A-C.
Other names: c.305T>G, p.Val102Gly (NM_001024688.3); short protein forms V184G, V102G.
Identifiers: ClinVar variation 2757667 (VCV002757667.4), dbSNP rs1811865315, ClinGen allele CA371660209.

ClinVar aggregate classification (germline): Uncertain significance. Review status: criteria provided, multiple submitters, no conflicts (2 of 4 stars). 2 submissions from 2 submitters: Uncertain significance (2). Last evaluated 2023-12-04.

Conditions:
Microcephaly, normal intelligence and immunodeficiency (NBS). Also called: IMMUNODEFICIENCY, MICROCEPHALY, AND CHROMOSOMAL INSTABILITY; SEEMANOVA SYNDROME II; Immunodeficiency, microcephaly with normal intelligence; Nijmegen breakage syndrome; Microcephaly with normal intelligence immunodeficiency and lymphoreticular malignancies; Nonsyndromal microcephaly autosomal recessive with normal intelligence. Identifiers: Orphanet 647, MedGen C0398791, MONDO:0009623, OMIM 251260.
Hereditary cancer-predisposing syndrome. Also called: Neoplastic Syndromes, Hereditary; Tumor predisposition; Hereditary neoplastic syndrome; Hereditary Cancer Syndrome. Identifiers: Orphanet 140162, MedGen C0027672, MeSH D009386, MONDO:0015356.

Submissions (2):

Ambry Genetics
Classification: Uncertain significance for Hereditary cancer-predisposing syndrome. Last evaluated: 2023-12-04. Review status: criteria provided, single submitter. Criteria: Ambry Variant Classification Scheme 2023. Collection method: clinical testing. Allele origin: germline.
Comment: The p.V184G variant (also known as c.551T>G), located in coding exon 5 of the NBN gene, results from a T to G substitution at nucleotide position 551. The valine at codon 184 is replaced by glycine, an amino acid with dissimilar properties. This amino acid position is highly conserved in available vertebrate species. In addition, the in silico prediction for this alteration is inconclusive. Since supporting evidence is limited at this time, the clinical significance of this alteration remains unclear.

Labcorp Genetics (formerly Invitae), Labcorp
Classification: Uncertain significance for Microcephaly, normal intelligence and immunodeficiency. Last evaluated: 2023-10-25. Review status: criteria provided, single submitter. Criteria: Invitae Variant Classification Sherloc (09022015). Collection method: clinical testing. Allele origin: germline.
Comment: This sequence change replaces valine, which is neutral and non-polar, with glycine, which is neutral and non-polar, at codon 184 of the NBN protein (p.Val184Gly). This variant is not present in population databases (gnomAD no frequency). This variant has not been reported in the literature in individuals affected with NBN-related conditions. An algorithm developed to predict the effect of missense changes on protein structure and function (PolyPhen-2) suggests that this variant is likely to be disruptive. Algorithms developed to predict the effect of sequence changes on RNA splicing suggest that this variant may disrupt the consensus splice site. In summary, the available evidence is currently insufficient to determine the role of this variant in disease. Therefore, it has been classified as a Variant of Uncertain Significance.